The following is an entry in ClinVar:

NM_004522.3(KIF5C):c.1824C>T (p.Leu608=)

Gene: KIF5C (kinesin family member 5C; plus strand). Cytogenetic location: 2q23.1.
Variant type: single nucleotide variant.
Coding change: c.1824C>T on transcript NM_004522.3 (MANE Select); coding-DNA position 1824, C replaced by T.
Protein change: p.Leu608=; no amino-acid change (leucine 608 retained).
Molecular consequence: synonymous variant. On other transcripts: non-coding transcript variant (1).
Genome position (GRCh38, 1-based): chr2:148,991,117, C>T. VCF-style: chr2-148991117-C-T. GRCh37 (hg19) VCF-style: chr2-149847631-C-T.
Identifiers: ClinVar variation 1678864 (VCV001678864.2), dbSNP rs192709369, ClinGen allele CA1901529.
Genomic context (GRCh38, chr2:148,991,117, plus strand): 5'-CCTGTACATCAGCAAGATGAAGTCAGAGGTCAAGTCCCTGGTGAACCGCAGCAAACAGCT[C>T]GAGAGCGCCCAGATGGACTCCAACAGGAAGATGAATGCCAGCGAGCGGGAGCTGGCAGCC-3'
Protein context (NP_004513.1, residues 598-618): VKSLVNRSKQ[Leu608=]ESAQMDSNRK

ClinVar aggregate classification (germline): Likely benign (1 of 4 stars; one submission).

Allele frequency attached by ClinVar (database versions not stated): TOPMed 0.00001; gnomAD exomes 0.00002; ExAC 0.00003; 1000 Genomes Project 0.00020; 1000 Genomes Project 30x 0.00031.
gnomAD v4.1: 11 of 1,613,944 alleles (0.00068%); highest among the groups gnomAD compares: African/African-American, 0.004%; no homozygotes.

Submission:

GeneDx
Classification: Likely benign. Last evaluated: 2021-02-16. Review status: criteria provided, single submitter. Criteria: GeneDx Variant Classification Process June 2021. Collection method: clinical testing. Allele origin: germline. Affected: yes.
Comment: See Variant Classification Assertion Criteria.